The following is an entry in ClinVar:

NM_177438.3(DICER1):c.1383A>G (p.Ile461Met)

Gene: DICER1 (dicer 1, ribonuclease III; minus strand). Cytogenetic location: 14q32.13.
Variant type: single nucleotide variant.
Coding change: c.1383A>G on transcript NM_177438.3 (MANE Select); coding-DNA position 1383, A replaced by G.
Protein change: p.Ile461Met; replaces isoleucine 461 with methionine.
Molecular consequence: missense variant.
Genome position (GRCh38, 1-based): chr14:95,117,748, T>C on the plus strand (A>G on the coding strand, the complement: DICER1 is on the minus strand). VCF-style: chr14-95117748-T-C. GRCh37 (hg19) VCF-style: chr14-95584085-T-C.
Other names: c.1383A>G, p.Ile461Met (NM_001195573.1, NM_001271282.3, NM_001291628.2 and 1 more transcripts); short protein forms I461M.
Identifiers: ClinVar variation 863501 (VCV000863501.12), dbSNP rs202029334, ClinGen allele CA265917370.

ClinVar aggregate classification (germline): Uncertain significance. Review status: criteria provided, multiple submitters, no conflicts (2 of 4 stars). 2 submissions from 2 submitters: Uncertain significance (2). Last evaluated 2024-10-02.

Conditions:
Hereditary cancer-predisposing syndrome. Also called: Tumor predisposition; Hereditary Cancer Syndrome; Neoplastic Syndromes, Hereditary; Hereditary neoplastic syndrome. Identifiers: Orphanet 140162, MedGen C0027672, MeSH D009386, MONDO:0015356.
DICER1-related tumor predisposition. Also called: DICER1-related pleuropulmonary blastoma cancer predisposition syndrome; DICER1 syndrome. Identifiers: Orphanet 284343, MedGen C3839822, MONDO:0100216.

Submissions (2):

Ambry Genetics
Classification: Uncertain significance for Hereditary cancer-predisposing syndrome. Last evaluated: 2024-10-02. Review status: criteria provided, single submitter. Criteria: Ambry Variant Classification Scheme 2023. Collection method: clinical testing. Allele origin: germline.
Comment: The p.I461M variant (also known as c.1383A>G), located in coding exon 8 of the DICER1 gene, results from an A to G substitution at nucleotide position 1383. The isoleucine at codon 461 is replaced by methionine, an amino acid with highly similar properties. This amino acid position is highly conserved in available vertebrate species. In addition, the in silico prediction for this alteration is inconclusive. Based on the available evidence, the clinical significance of this variant remains unclear.

Labcorp Genetics (formerly Invitae), Labcorp
Classification: Uncertain significance for DICER1-related tumor predisposition. Last evaluated: 2022-07-06. Review status: criteria provided, single submitter. Criteria: Invitae Variant Classification Sherloc (09022015). Collection method: clinical testing. Allele origin: germline.
Comment: In summary, the available evidence is currently insufficient to determine the role of this variant in disease. Therefore, it has been classified as a Variant of Uncertain Significance. This sequence change replaces isoleucine, which is neutral and non-polar, with methionine, which is neutral and non-polar, at codon 461 of the DICER1 protein (p.Ile461Met). This variant is not present in population databases (gnomAD no frequency). This variant has not been reported in the literature in individuals affected with DICER1-related conditions. ClinVar contains an entry for this variant (Variation ID: 863501). Algorithms developed to predict the effect of missense changes on protein structure and function are either unavailable or do not agree on the potential impact of this missense change (SIFT: "Tolerated"; PolyPhen-2: "Probably Damaging"; Align-GVGD: "Class C0").